The following is an entry in ClinVar:

ClinVar aggregate classification (germline): Uncertain significance (1 of 4 stars; one submission).

gnomAD v4.1: 5 of 1,613,678 alleles (0.00031%); highest among the groups gnomAD compares: Middle Eastern, 0.016%; no homozygotes.

Submission:

Labcorp Genetics (formerly Invitae), Labcorp
Classification: Uncertain significance. Last evaluated: 2025-07-06. Review status: criteria provided, single submitter. Criteria: Invitae Variant Classification Sherloc (09022015). Collection method: clinical testing. Allele origin: germline.
Comment: This sequence change replaces asparagine, which is neutral and polar, with lysine, which is basic and polar, at codon 859 of the MTHFD1 protein (p.Asn859Lys). This variant is present in population databases (rs779352438, gnomAD 0.003%). This variant has not been reported in the literature in individuals affected with MTHFD1-related conditions. Invitae Evidence Modeling of protein sequence and biophysical properties (such as structural, functional, and spatial information, amino acid conservation, physicochemical variation, residue mobility, and thermodynamic stability) indicates that this missense variant is not expected to disrupt MTHFD1 protein function with a negative predictive value of 80%. In summary, the available evidence is currently insufficient to determine the role of this variant in disease. Therefore, it has been classified as a Variant of Uncertain Significance.

NM_005956.4(MTHFD1):c.2577T>G (p.Asn859Lys)

Genes: MTHFD1 (methylenetetrahydrofolate dehydrogenase, cyclohydrolase and formyltetrahydrofolate synthetase 1; plus strand), ZBTB25 (zinc finger and BTB domain containing 25; minus strand). Cytogenetic location: 14q23.3.
Variant type: single nucleotide variant.
Coding change: c.2577T>G on transcript NM_005956.4 (MANE Select); coding-DNA position 2577, T replaced by G.
Protein change: p.Asn859Lys; replaces asparagine 859 with lysine.
Molecular consequence: missense variant. On other transcripts: intron variant (1).
Genome position (GRCh38, 1-based): chr14:64,454,734, T>G. VCF-style: chr14-64454734-T-G. GRCh37 (hg19) VCF-style: chr14-64921452-T-G.
Other names: c.2577T>G, p.Asn859Lys (NM_001364837.1); c.174-5096A>C (NM_001304508.1); short protein forms N859K.
Identifiers: ClinVar variation 4695338 (VCV004695338.1).
Genomic context (GRCh38, chr14:64,454,734, plus strand): 5'-GGGTTGTCATCTTTTCATTTGTCCTCCCTCTCTTCCCTTCTTTCCCCAGGGCTTTGGGAA[T>G]CTCCCCATCTGCATGGCTAAAACACACTTGTCTTTGTCTCACAACCCAGAGCAAAAAGGT-3'
Protein context (NP_005947.3, residues 849-869): AEVYTKQGFG[Asn859Lys]LPICMAKTHL